The following is an entry in ClinVar:

ClinVar aggregate classification (germline): Pathogenic/Likely pathogenic. Review status: criteria provided, multiple submitters, no conflicts (2 of 4 stars). 6 submissions from 6 submitters: Pathogenic (5); Likely pathogenic (1). Last evaluated 2025-10-08.

Conditions:
Mucopolysaccharidosis type 6 (MPS6). Also called: MPS VI; N-ACETYLGALACTOSAMINE-4-SULFATASE DEFICIENCY; ARSB DEFICIENCY; ARYLSULFATASE B DEFICIENCY; MPS 6; Maroteaux Lamy syndrome. Identifiers: Orphanet 583, MedGen C0026709, MONDO:0009661, OMIM 253200.

gnomAD v4.1: 6 of 1,614,066 alleles (0.00037%); highest among the groups gnomAD compares: African/African-American, 0.0013%; no homozygotes.

Submissions (6):

Women's Health and Genetics/Laboratory Corporation of America, LabCorp
Classification: Pathogenic for Mucopolysaccharidosis type 6. Last evaluated: 2025-10-08. Review status: criteria provided, single submitter. Criteria: LabCorp Variant Classification Summary - May 2015. Collection method: clinical testing. Allele origin: germline.
Comment: Variant summary: ARSB c.943C>T (p.Arg315X) results in a premature termination codon, predicted to cause a truncation of the encoded protein or absence of the protein due to nonsense mediated decay, which are commonly known mechanisms for disease. The variant allele was found at a frequency of 4e-06 in 251340 control chromosomes. c.943C>T has been observed in homozygous and compound heterozygous individuals affected with Mucopolysaccharidosis Type VI (Maroteaux-Lamy Syndrome) (e.g. Chistiakov_2014). These data indicate that the variant may be associated with disease. At least one publication reports experimental evidence evaluating an impact on protein function, showing significantly reduced enzyme function (e.g. Chistiakov_2014). The most pronounced variant effect results in <10% of normal activity. The following publication has been ascertained in the context of this evaluation (PMID: 24875751). ClinVar contains an entry for this variant (Variation ID: 559828). Based on the evidence outlined above, the variant was classified as pathogenic.

GeneDx
Classification: Pathogenic. Last evaluated: 2024-12-01. Review status: criteria provided, single submitter. Criteria: GeneDx Variant Classification Process June 2021. Collection method: clinical testing. Allele origin: germline. Affected: yes.
Comment: Nonsense variant predicted to result in protein truncation or nonsense mediated decay in a gene for which loss of function is a known mechanism of disease; Published functional studies demonstrate a damaging effect with loss of enzyme activity (PMID: 24875751); Not observed at significant frequency in large population cohorts (gnomAD); This variant is associated with the following publications: (PMID: 25525159, 18486607, 35118118, 37811045, 36077388, 10923267, 38319253, 17672828, 22971959, 24875751, 20143913, 25654180)

Fulgent Genetics
Classification: Pathogenic for Mucopolysaccharidosis type 6. Last evaluated: 2024-06-01. Review status: criteria provided, single submitter. Criteria: ACMG Guidelines, 2015. Collection method: clinical testing. Allele origin: germline.

Labcorp Genetics (formerly Invitae), Labcorp
Classification: Pathogenic for Mucopolysaccharidosis type 6. Last evaluated: 2023-11-24. Review status: criteria provided, single submitter. Criteria: Invitae Variant Classification Sherloc (09022015). Collection method: clinical testing. Allele origin: germline.
Comment: This sequence change creates a premature translational stop signal (p.Arg315*) in the ARSB gene. It is expected to result in an absent or disrupted protein product. Loss-of-function variants in ARSB are known to be pathogenic (PMID: 17458871, 22133300). This variant is present in population databases (no rsID available, gnomAD 0.0009%). This premature translational stop signal has been observed in individual(s) with mucopolysaccharidosis type VI (PMID: 20143913, 24875751). ClinVar contains an entry for this variant (Variation ID: 559828). For these reasons, this variant has been classified as Pathogenic.

Foundation for Research in Genetics and Endocrinology, FRIGE's Institute of Human Genetics
Classification: Pathogenic for Mucopolysaccharidosis type 6. Last evaluated: 2023-01-16. Review status: criteria provided, single submitter. Criteria: ACMG Guidelines, 2015. Collection method: clinical testing. Allele origin: germline. Inheritance: Autosomal recessive inheritance. Affected: yes. Observed: 1 homozygote.
Comment: A Homozygous missense variation in exon 5 of the PIGA gene that results in the termination of amino acid chain at codon 315 was detected. The observed variant c.943C>T (p.Arg315Ter) has not been reported in the 1000 genomes and has MAF of 0.0004% in the gnomAD database. The in silico prediction of the variant are possibly damaging by CADD, DANN, LRT and MutationTaster2. In summary, the variant meets our criteria to be classified as pathogenic.

Laboratory of Diagnosis and Therapy of Lysosomal Disorders, University of Padova
Classification: Likely pathogenic for Mucopolysaccharidosis type 6. Last evaluated: 2018-01-01. Review status: criteria provided, single submitter. Criteria: ACMG Guidelines, 2015. Collection method: curation. Allele origin: germline. Affected: yes.
Comment: Nonsense variant (PVS1); Very low frequency in ExAC (PM2)

Literature cited by the submitters: PubMed 24875751 (cited by 3 submitters); PubMed 17458871 (cited by Labcorp Genetics (formerly Invitae), Labcorp); PubMed 22133300 (cited by Labcorp Genetics (formerly Invitae), Labcorp); PubMed 20143913 (cited by Labcorp Genetics (formerly Invitae), Labcorp and Laboratory of Diagnosis and Therapy of Lysosomal Disorders, University of Padova); PubMed 25654180 (cited by Laboratory of Diagnosis and Therapy of Lysosomal Disorders, University of Padova); PubMed 24053568 (cited by Laboratory of Diagnosis and Therapy of Lysosomal Disorders, University of Padova); PubMed 17672828 (cited by Laboratory of Diagnosis and Therapy of Lysosomal Disorders, University of Padova); PubMed 10923267 (cited by Laboratory of Diagnosis and Therapy of Lysosomal Disorders, University of Padova); PubMed 30118150 (cited by Laboratory of Diagnosis and Therapy of Lysosomal Disorders, University of Padova).

NM_000046.5(ARSB):c.943C>T (p.Arg315Ter)

Gene: ARSB (arylsulfatase B; minus strand). Cytogenetic location: 5q14.1.
Variant type: single nucleotide variant.
Coding change: c.943C>T on transcript NM_000046.5 (MANE Select); coding-DNA position 943, C replaced by T.
Protein change: p.Arg315Ter; replaces arginine 315 with a stop codon.
Molecular consequence: nonsense.
Genome position (GRCh38, 1-based): chr5:78,885,783, G>A on the plus strand (C>T on the coding strand, the complement: ARSB is on the minus strand). VCF-style: chr5-78885783-G-A. GRCh37 (hg19) VCF-style: chr5-78181606-G-A.
Other names: p.Arg315Ter; c.943C>T, p.Arg315Ter (NM_198709.3); short protein forms R315*.
Identifiers: ClinVar variation 559828 (VCV000559828.16), dbSNP rs891298440, ClinGen allele CA360343393.
Genomic context (GRCh38, chr5:78,885,783, plus strand): 5'-GGCTTGCCACAAAGCCCACCCCTCGGACGCCTCCTTCCCACAGGCTCCATTTTCTTCCTC[G>A]AAGGGGCCAGTTATTACCCCCTGCCAAAGTCTGCCCTCCGTTATCTGAAACACAGTAAGG-3'